The following is an entry in ClinVar:

NM_181523.3(PIK3R1):c.1202T>C (p.Val401Ala)

Gene: PIK3R1 (phosphoinositide-3-kinase regulatory subunit 1; plus strand). Cytogenetic location: 5q13.1.
Variant type: single nucleotide variant.
Coding change: c.1202T>C on transcript NM_181523.3 (MANE Select); coding-DNA position 1202, T replaced by C.
Protein change: p.Val401Ala; replaces valine 401 with alanine.
Molecular consequence: missense variant.
Genome position (GRCh38, 1-based): chr5:68,293,386, T>C. VCF-style: chr5-68293386-T-C. GRCh37 (hg19) VCF-style: chr5-67589214-T-C.
Other names: c.302T>C, p.Val101Ala (NM_181524.2); c.113T>C, p.Val38Ala (NM_001242466.2); c.392T>C, p.Val131Ala (NM_181504.4); short protein forms V131A, V101A, V401A, V38A.
Identifiers: ClinVar variation 2124246 (VCV002124246.4), dbSNP rs1184230510, ClinGen allele CA359879658.

ClinVar aggregate classification (germline): Uncertain significance (1 of 4 stars; one submission).

Conditions:
Agammaglobulinemia 7, autosomal recessive (AGM7). Also called: AGAMMAGLOBULINEMIA, AUTOSOMAL RECESSIVE, DUE TO PIK3R1 DEFECT. Identifiers: MedGen C3554689, MONDO:0014083, OMIM 615214.
SHORT syndrome. Also called: PIK3R1-Related SHORT Syndrome; LIPODYSTROPHY, PARTIAL, WITH RIEGER ANOMALY AND SHORT STATURE; SHORT STATURE, HYPEREXTENSIBILITY, HERNIA, OCULAR DEPRESSION, RIEGER ANOMALY, AND TEETHING DELAY. Identifiers: Orphanet 3163, MedGen C0878684, MONDO:0010026, OMIM 269880.
Immunodeficiency 36 with lymphoproliferation. Also called: Activated PI3K Delta Syndrome Type 2 (APDS2); Immunodeficiency 36; ACTIVATED PI3K-DELTA SYNDROME 2. Identifiers: Orphanet 397596, Orphanet 693681, MedGen C4014934, MONDO:0014453, OMIM 616005.

gnomAD v4.1: 1 of 1,613,306 alleles (0.000062%); no homozygotes.

Submission:

Labcorp Genetics (formerly Invitae), Labcorp
Classification: Uncertain significance for SHORT syndrome; Immunodeficiency 36 with lymphoproliferation; Agammaglobulinemia 7, autosomal recessive. Last evaluated: 2022-04-10. Review status: criteria provided, single submitter. Criteria: Invitae Variant Classification Sherloc (09022015). Collection method: clinical testing. Allele origin: germline.
Comment: In summary, the available evidence is currently insufficient to determine the role of this variant in disease. Therefore, it has been classified as a Variant of Uncertain Significance. Algorithms developed to predict the effect of missense changes on protein structure and function (SIFT, PolyPhen-2, Align-GVGD) all suggest that this variant is likely to be disruptive. This variant has not been reported in the literature in individuals affected with PIK3R1-related conditions. This variant is present in population databases (no rsID available, gnomAD no frequency). This sequence change replaces valine, which is neutral and non-polar, with alanine, which is neutral and non-polar, at codon 401 of the PIK3R1 protein (p.Val401Ala).